The following is an entry in ClinVar:

ClinVar aggregate classification (germline): Conflicting classifications of pathogenicity. Review status: criteria provided, conflicting classifications (1 of 4 stars). 3 submissions from 3 submitters: Uncertain significance (2); Likely benign (1). Last evaluated 2025-09-10.

Conditions:
Neurodevelopmental disorder with hypotonia, stereotypic hand movements, and impaired language. Also called: Intellectual disability, autosomal dominant 20. Identifiers: Orphanet 228384, Orphanet 664410, MedGen C3150700, MONDO:0013266, OMIM 613443.
Inborn genetic diseases. Identifiers: MedGen C0950123, MeSH D030342.

Allele frequency attached by ClinVar (database versions not stated): TOPMed below 0.00001; gnomAD 0.00001; ExAC 0.00002.
gnomAD v4.1: 4 of 1,613,894 alleles (0.00025%); highest among the groups gnomAD compares: Non-Finnish European, 0.00025%; no homozygotes.

Submissions (3):

Labcorp Genetics (formerly Invitae), Labcorp
Classification: Uncertain significance for Neurodevelopmental disorder with hypotonia, stereotypic hand movements, and impaired language. Last evaluated: 2025-09-10. Review status: criteria provided, single submitter. Criteria: Invitae Variant Classification Sherloc (09022015). Collection method: clinical testing. Allele origin: germline.
Comment: This sequence change replaces threonine, which is neutral and polar, with methionine, which is neutral and non-polar, at codon 412 of the MEF2C protein (p.Thr412Met). This variant is present in population databases (rs771034207, gnomAD 0.008%). This variant has not been reported in the literature in individuals affected with MEF2C-related conditions. ClinVar contains an entry for this variant (Variation ID: 2559408). Invitae Evidence Modeling of protein sequence and biophysical properties (such as structural, functional, and spatial information, amino acid conservation, physicochemical variation, residue mobility, and thermodynamic stability) indicates that this missense variant is not expected to disrupt MEF2C protein function with a negative predictive value of 95%. In summary, the available evidence is currently insufficient to determine the role of this variant in disease. Therefore, it has been classified as a Variant of Uncertain Significance.

Women's Health and Genetics/Laboratory Corporation of America, LabCorp
Classification: Uncertain significance. Last evaluated: 2024-03-05. Review status: criteria provided, single submitter. Criteria: LabCorp Variant Classification Summary - May 2015. Collection method: clinical testing. Allele origin: germline.
Comment: Variant summary: MEF2C c.1235C>T (p.Thr412Met) results in a non-conservative amino acid change in the encoded protein sequence. Three of four in-silico tools predict a benign effect of the variant on protein function. The variant allele was found at a frequency of 1.2e-05 in 249162 control chromosomes. The available data on variant occurrences in the general population are insufficient to allow any conclusion about variant significance. To our knowledge, no occurrence of c.1235C>T in individuals affected with Intellectual Disability, Autosomal Dominant 20 and no experimental evidence demonstrating its impact on protein function have been reported. ClinVar contains an entry for this variant (Variation ID: 2559408). Based on the evidence outlined above, the variant was classified as uncertain significance.

Ambry Genetics
Classification: Likely benign for Inborn genetic diseases. Last evaluated: 2023-06-12. Review status: criteria provided, single submitter. Criteria: Ambry Variant Classification Scheme 2023. Collection method: clinical testing. Allele origin: germline.

NM_002397.5(MEF2C):c.1235C>T (p.Thr412Met)

Genes: MEF2C (myocyte enhancer factor 2C; minus strand), MEF2C-AS2 (MEF2C antisense RNA 2; plus strand). Cytogenetic location: 5q14.3.
Variant type: single nucleotide variant.
Coding change: c.1235C>T on transcript NM_002397.5 (MANE Select); coding-DNA position 1235, C replaced by T.
Protein change: p.Thr412Met; replaces threonine 412 with methionine.
Molecular consequence: missense variant. On other transcripts: non-coding transcript variant (1), synonymous variant (9).
Genome position (GRCh38, 1-based): chr5:88,722,791, G>A on the plus strand (C>T on the coding strand, the complement: MEF2C is on the minus strand). VCF-style: chr5-88722791-G-A. GRCh37 (hg19) VCF-style: chr5-88018608-G-A.
Other names: c.1205C>T, p.Thr402Met (NM_001131005.2); c.1265C>T, p.Thr422Met (NM_001193347.1); c.1067C>T, p.Thr356Met (NM_001193348.1); c.995C>T, p.Thr332Met (NM_001193349.3, NM_001364332.2); c.1235C>T, p.Thr412Met (NM_001193350.2, NM_001364329.2, NM_001364330.2 and 1 more transcripts); c.1211C>T, p.Thr404Met (NM_001308002.3, NM_001364333.2); c.1139C>T, p.Thr380Met (NM_001363581.2, NM_001364334.2, NM_001364335.2 and 2 more transcripts); c.1169C>T, p.Thr390Met (NM_001364338.2); and 10 more; short protein forms T254M, T390M, T412M, T356M, T370M, T286M, T364M, T402M.
Identifiers: ClinVar variation 2559408 (VCV002559408.5), dbSNP rs771034207, ClinGen allele CA3337188.